The following is an entry in ClinVar:

NM_152618.3(BBS12):c.1048C>T (p.Gln350Ter)

Gene: BBS12 (Bardet-Biedl syndrome 12; plus strand). Cytogenetic location: 4q27.
Variant type: single nucleotide variant.
Coding change: c.1048C>T on transcript NM_152618.3 (MANE Select); coding-DNA position 1048, C replaced by T.
Protein change: p.Gln350Ter; replaces glutamine 350 with a stop codon.
Molecular consequence: nonsense.
Genome position (GRCh38, 1-based): chr4:122,742,940, C>T. VCF-style: chr4-122742940-C-T. GRCh37 (hg19) VCF-style: chr4-123664095-C-T.
Other names: c.1048C>T, p.Gln350Ter (NM_001178007.2); short protein forms Q350*.
Identifiers: ClinVar variation 1455603 (VCV001455603.8), dbSNP rs1375925950, ClinGen allele CA358224285.

ClinVar aggregate classification (germline): Pathogenic (1 of 4 stars; one submission).

Conditions:
Bardet-Biedl syndrome (BBS). Identifiers: Orphanet 110, MedGen C0752166, MONDO:0015229.

Allele frequency attached by ClinVar (database versions not stated): TOPMed below 0.00001.

Submission:

Labcorp Genetics (formerly Invitae), Labcorp
Classification: Pathogenic for Bardet-Biedl syndrome. Last evaluated: 2020-11-10. Review status: criteria provided, single submitter. Criteria: Invitae Variant Classification Sherloc (09022015). Collection method: clinical testing. Allele origin: germline.
Comment: For these reasons, this variant has been classified as Pathogenic. This variant disrupts the C-terminus of the BBS12 protein. Other variant(s) that disrupt this region (p.Asp687Valfs*3) have been determined to be pathogenic (Invitae). This suggests that variants that disrupt this region of the protein are likely to be causative of disease. This variant has not been reported in the literature in individuals with BBS12-related conditions. This variant is not present in population databases (ExAC no frequency). This sequence change creates a premature translational stop signal (p.Gln350*) in the BBS12 gene. While this is not anticipated to result in nonsense mediated decay, it is expected to disrupt the last 361 amino acid(s) of the BBS12 protein.